The following is an entry in ClinVar:

NM_021930.6(RINT1):c.622C>G (p.His208Asp)

Gene: RINT1 (RAD50 interactor 1; plus strand). Cytogenetic location: 7q22.3.
Variant type: single nucleotide variant.
Coding change: c.622C>G on transcript NM_021930.6 (MANE Select); coding-DNA position 622, C replaced by G.
Protein change: p.His208Asp; replaces histidine 208 with aspartic acid.
Molecular consequence: missense variant. On other transcripts: non-coding transcript variant (1), intron variant (1), 5 prime UTR variant (2).
Genome position (GRCh38, 1-based): chr7:105,547,016, C>G. VCF-style: chr7-105547016-C-G. GRCh37 (hg19) VCF-style: chr7-105187463-C-G.
Other names: c.-27-3039C>G (NM_001346603.2); c.388C>G, p.His130Asp (NM_001346599.2); c.-398C>G (NM_001346600.2); c.-301C>G (NM_001346601.2); short protein forms H130D, H208D.
Identifiers: ClinVar variation 3433541 (VCV003433541.3).

ClinVar aggregate classification (germline): Uncertain significance. Review status: criteria provided, multiple submitters, no conflicts (2 of 4 stars). 2 submissions from 2 submitters: Uncertain significance (2). Last evaluated 2024-07-28.

Submissions (2):

Ambry Genetics
Classification: Uncertain significance. Last evaluated: 2024-07-28. Review status: criteria provided, single submitter. Criteria: Ambry Variant Classification Scheme 2023. Collection method: clinical testing. Allele origin: germline.
Comment: The p.H208D variant (also known as c.622C>G), located in coding exon 5 of the RINT1 gene, results from a C to G substitution at nucleotide position 622. The histidine at codon 208 is replaced by aspartic acid, an amino acid with similar properties. This amino acid position is conserved. In addition, the in silico prediction for this alteration is inconclusive. Based on the available evidence, the clinical significance of this variant remains unclear.

Labcorp Genetics (formerly Invitae), Labcorp
Classification: Uncertain significance. Last evaluated: 2024-04-14. Review status: criteria provided, single submitter. Criteria: Invitae Variant Classification Sherloc (09022015). Collection method: clinical testing. Allele origin: germline.
Comment: This sequence change replaces histidine, which is basic and polar, with aspartic acid, which is acidic and polar, at codon 208 of the RINT1 protein (p.His208Asp). This variant is not present in population databases (gnomAD no frequency). This variant has not been reported in the literature in individuals affected with RINT1-related conditions. An algorithm developed to predict the effect of missense changes on protein structure and function (PolyPhen-2) suggests that this variant is likely to be disruptive. In summary, the available evidence is currently insufficient to determine the role of this variant in disease. Therefore, it has been classified as a Variant of Uncertain Significance.